The following is an entry in ClinVar:

ClinVar aggregate classification (germline): Likely benign (0 of 4 stars; one submission).

Conditions:
TNPO1-related disorder. Also called: TNPO1-related condition.

Allele frequency attached by ClinVar (database versions not stated): gnomAD exomes 0.00006; TOPMed 0.00012; gnomAD 0.00015; ExAC 0.00045; 1000 Genomes Project 30x 0.00078; 1000 Genomes Project 0.00080.
gnomAD v4.1: 113 of 1,613,590 alleles (0.007%); highest among the groups gnomAD compares: East Asian, 0.25%; 1 homozygote.

Submission:

PreventionGenetics, part of Exact Sciences
Classification: Likely benign for TNPO1-related condition. Last evaluated: 2019-06-13. Review status: no assertion criteria provided. Collection method: clinical testing. Allele origin: germline.
Comment: This variant is classified as likely benign based on ACMG/AMP sequence variant interpretation guidelines (Richards et al. 2015 PMID: 25741868, with internal and published modifications).

NM_002270.4(TNPO1):c.1668A>G (p.Leu556=)

Gene: TNPO1 (transportin 1; plus strand). Cytogenetic location: 5q13.2.
Variant type: single nucleotide variant.
Coding change: c.1668A>G on transcript NM_002270.4 (MANE Select); coding-DNA position 1668, A replaced by G.
Protein change: p.Leu556=; no amino-acid change (leucine 556 retained).
Molecular consequence: synonymous variant.
Genome position (GRCh38, 1-based): chr5:72,889,924, A>G. VCF-style: chr5-72889924-A-G. GRCh37 (hg19) VCF-style: chr5-72185751-A-G.
Other names: c.1644A>G, p.Leu548= (NM_001364292.3, NM_001364293.3, NM_001364294.3 and 1 more transcripts); c.1518A>G, p.Leu506= (NM_001364295.3).
Identifiers: ClinVar variation 3034014 (VCV003034014.2), dbSNP rs191625222, ClinGen allele CA3301576.